The following is an entry in ClinVar:

ClinVar aggregate classification (germline): Uncertain significance (1 of 4 stars; one submission).

Allele frequency attached by ClinVar (database versions not stated): TOPMed below 0.00001; gnomAD 0.00017.
gnomAD v4.1: 1 of 1,467,756 alleles (0.000068%); highest among the groups gnomAD compares: African/African-American, 0.0029%; no homozygotes.

Submission:

Labcorp Genetics (formerly Invitae), Labcorp
Classification: Uncertain significance. Last evaluated: 2022-08-11. Review status: criteria provided, single submitter. Criteria: Invitae Variant Classification Sherloc (09022015). Collection method: clinical testing. Allele origin: germline.
Comment: Algorithms developed to predict the effect of missense changes on protein structure and function output the following: SIFT: "Deleterious"; PolyPhen-2: "Benign"; Align-GVGD: "Class C0". The valine amino acid residue is found in multiple mammalian species, which suggests that this missense change does not adversely affect protein function. Algorithms developed to predict the effect of sequence changes on RNA splicing suggest that this variant may create or strengthen a splice site. In summary, the available evidence is currently insufficient to determine the role of this variant in disease. Therefore, it has been classified as a Variant of Uncertain Significance. This variant is not present in population databases (gnomAD no frequency). This sequence change replaces isoleucine, which is neutral and non-polar, with valine, which is neutral and non-polar, at codon 393 of the ARHGEF18 protein (p.Ile393Val). This variant has not been reported in the literature in individuals affected with ARHGEF18-related conditions.

NM_001367823.1(ARHGEF18):c.1741A>G (p.Ile581Val)

Gene: ARHGEF18 (Rho/Rac guanine nucleotide exchange factor 18; plus strand). Cytogenetic location: 19p13.2.
Variant type: single nucleotide variant.
Coding change: c.1741A>G on transcript NM_001367823.1 (MANE Select); coding-DNA position 1741, A replaced by G.
Protein change: p.Ile581Val; replaces isoleucine 581 with valine.
Molecular consequence: missense variant.
Genome position (GRCh38, 1-based): chr19:7,451,152, A>G. VCF-style: chr19-7451152-A-G. GRCh37 (hg19) VCF-style: chr19-7516038-A-G.
Other names: c.1015A>G, p.Ile339Val (NM_001130955.2); c.703A>G, p.Ile235Val (NM_001367824.1, NM_015318.4); short protein forms I235V, I339V, I581V.
Identifiers: ClinVar variation 1714647 (VCV001714647.5), dbSNP rs1975430199, ClinGen allele CA403110410.
Genomic context (GRCh38, chr19:7,451,152, plus strand): 5'-GGATCTTGCTGTCCGTTTCTGAGATGTTAATACAGGATCTTGCTTTCTGTTTCCTAGAAA[A>G]TTGGCAACTTCTCCATCGTGCGGCGGCTTGGCGTGCAGGAGTGCATTCTCCTGGTTACAC-3'
Protein context (NP_001354752.1, residues 571-591): NKKFQNLIKK[Ile581Val]GNFSIVRRLG